The following is an entry in ClinVar:

NM_012062.5(DNM1L):c.220G>C (p.Asp74His)

Gene: DNM1L (dynamin 1 like; plus strand). Cytogenetic location: 12p11.21.
Variant type: single nucleotide variant.
Coding change: c.220G>C on transcript NM_012062.5 (MANE Select); coding-DNA position 220, G replaced by C.
Protein change: p.Asp74His; replaces aspartic acid 74 with histidine.
Molecular consequence: missense variant.
Genome position (GRCh38, 1-based): chr12:32,701,532, G>C. VCF-style: chr12-32701532-G-C. GRCh37 (hg19) VCF-style: chr12-32854466-G-C.
Other names: c.220G>C, p.Asp74His (NM_012063.4, NM_001278463.2, NM_001278464.2 and 3 more transcripts); c.15G>C, p.Lys5Asn (NM_001278466.2); short protein forms D74H, K5N.
Identifiers: ClinVar variation 3018682 (VCV003018682.3), dbSNP rs371579886, ClinGen allele CA235235818.

ClinVar aggregate classification (germline): Uncertain significance (1 of 4 stars; one submission).

Allele frequency attached by ClinVar (database versions not stated): gnomAD 0.00001; TOPMed 0.00001; ESP Exome Variant Server 0.00008.

Submission:

Labcorp Genetics (formerly Invitae), Labcorp
Classification: Uncertain significance. Last evaluated: 2023-11-20. Review status: criteria provided, single submitter. Criteria: Invitae Variant Classification Sherloc (09022015). Collection method: clinical testing. Allele origin: germline.
Comment: This sequence change replaces aspartic acid, which is acidic and polar, with histidine, which is basic and polar, at codon 74 of the DNM1L protein (p.Asp74His). This variant is not present in population databases (gnomAD no frequency). This variant has not been reported in the literature in individuals affected with DNM1L-related conditions. An algorithm developed to predict the effect of missense changes on protein structure and function (PolyPhen-2) suggests that this variant is likely to be tolerated. In summary, the available evidence is currently insufficient to determine the role of this variant in disease. Therefore, it has been classified as a Variant of Uncertain Significance.